The following is an entry in ClinVar:

ClinVar aggregate classification (germline): Likely benign. Review status: criteria provided, single submitter (1 of 4 stars). 2 submissions from 2 submitters: Likely benign (1). 1 of the submissions does not count toward it. Last evaluated 2025-05-18.

Conditions:
IFT172-related disorder. Also called: IFT172-related condition; IFT172-related disorders.
Short-rib thoracic dysplasia 10 with or without polydactyly (SRTD10). Identifiers: Orphanet 474, MedGen C3810175, MONDO:0014284, OMIM 615630.
Retinitis pigmentosa 71 (RP71). Identifiers: Orphanet 791, MedGen C4225342, MONDO:0014618, OMIM 616394.

Allele frequency attached by ClinVar (database versions not stated): gnomAD exomes below 0.00001 and 0.00002; ExAC 0.00002; gnomAD 0.00002 and 0.00003; TOPMed 0.00003; 1000 Genomes Project 30x 0.00016; 1000 Genomes Project 0.00020.
gnomAD v4.1: 9 of 1,613,576 alleles (0.00056%); highest among the groups gnomAD compares: African/African-American, 0.0093%; no homozygotes.

Submissions (2):

Labcorp Genetics (formerly Invitae), Labcorp
Classification: Likely benign for Retinitis pigmentosa 71; Short-rib thoracic dysplasia 10 with or without polydactyly. Last evaluated: 2025-05-18. Review status: criteria provided, single submitter. Criteria: Invitae Variant Classification Sherloc (09022015). Collection method: clinical testing. Allele origin: germline.

PreventionGenetics, part of Exact Sciences
Classification: Likely benign for IFT172-related condition. Last evaluated: 2021-09-03. Review status: no assertion criteria provided. Collection method: clinical testing. Allele origin: germline. Not counted in ClinVar's aggregate classification.
Comment: This variant is classified as likely benign based on ACMG/AMP sequence variant interpretation guidelines (Richards et al. 2015 PMID: 25741868, with internal and published modifications).

NM_015662.3(IFT172):c.2194-7T>C

Gene: IFT172 (intraflagellar transport 172; minus strand). Cytogenetic location: 2p23.3.
Variant type: single nucleotide variant.
Coding change: c.2194-7T>C on transcript NM_015662.3 (MANE Select); 7 bases into the intron before coding-DNA position 2194, T replaced by C.
Molecular consequence: intron variant.
Genome position (GRCh38, 1-based): chr2:27,461,524, A>G on the plus strand (T>C on the coding strand, the complement: IFT172 is on the minus strand). VCF-style: chr2-27461524-A-G. GRCh37 (hg19) VCF-style: chr2-27684391-A-G.
Other names: c.2194-7T>C (NM_015662.2).
Identifiers: ClinVar variation 1663890 (VCV001663890.10), dbSNP rs569757422, ClinGen allele CA1580364.